The following is an entry in ClinVar:

NM_001300785.1(MTTP):c.30G>A (p.Gly10=)

Genes: MTTP (microsomal triglyceride transfer protein; plus strand), LOC126807124 (BRD4-independent group 4 enhancer GRCh37_chr4:100484300-100485499; plus strand). Cytogenetic location: 4q23.
Variant type: single nucleotide variant.
Coding change: c.30G>A on transcript NM_001300785.1; coding-DNA position 30, G replaced by A.
Protein change: p.Gly10=; no amino-acid change (glycine 10 retained).
Genome position (GRCh38, 1-based): chr4:99,564,125, G>A. VCF-style: chr4-99564125-G-A. GRCh37 (hg19) VCF-style: chr4-100485282-G-A.
Identifiers: ClinVar variation 347010 (VCV000347010.34), dbSNP rs569667113, ClinGen allele CA3021670.

ClinVar aggregate classification (germline): Likely benign. Review status: criteria provided, multiple submitters, no conflicts (2 of 4 stars). 6 submissions from 6 submitters: Likely benign (2). 4 of the submissions do not count toward it. Last evaluated 2024-11-01.

Conditions:
Abetalipoproteinaemia (ABL). Also called: MTP DEFICIENCY; Abetalipoproteinemia; Abetalipoproteinemia neuropathy; Apolipoprotein B deficiency; Congenital betalipoprotein deficiency syndrome. Identifiers: Orphanet 14, MedGen C0000744, MONDO:0008692, OMIM 200100, HP:0008181.
MTTP-related disorder. Also called: MTTP-related condition.

Allele frequency attached by ClinVar (database versions not stated): 1000 Genomes Project 30x 0.00016; ExAC 0.00019; gnomAD exomes 0.00054 and 0.00081; gnomAD 0.00063 and 0.00066; TOPMed 0.00048.

Submissions (6):

Blueprint Genetics
Classification: Likely benign. Last evaluated: 2024-11-01. Review status: criteria provided, single submitter. Criteria: ACMG Guidelines, 2015. Collection method: clinical testing. Allele origin: germline.

CeGaT Center for Human Genetics Tuebingen
Classification: Likely benign. Last evaluated: 2023-03-01. Review status: criteria provided, single submitter. Criteria: CeGaT Center For Human Genetics Tuebingen Variant Classification Criteria Version 2. Collection method: clinical testing. Allele origin: germline. Affected: yes. Observed: 1 variant allele.
Comment: MTTP: BP4

PreventionGenetics, part of Exact Sciences
Classification: Likely benign for MTTP-related condition. Last evaluated: 2019-07-18. Review status: no assertion criteria provided. Collection method: clinical testing. Allele origin: germline. Not counted in ClinVar's aggregate classification.
Comment: This variant is classified as likely benign based on ACMG/AMP sequence variant interpretation guidelines (Richards et al. 2015 PMID: 25741868, with internal and published modifications).

Clinical Genetics DNA and cytogenetics Diagnostics Lab, Erasmus MC, Erasmus Medical Center
Classification: Likely benign. Review status: no assertion criteria provided. Collection method: clinical testing. Allele origin: germline. Affected: yes. Study: VKGL Data-share Consensus. Not counted in ClinVar's aggregate classification.

Clinical Genetics, Academic Medical Center
Classification: Benign. Review status: no assertion criteria provided. Collection method: clinical testing. Allele origin: germline. Affected: yes. Study: VKGL Data-share Consensus. Not counted in ClinVar's aggregate classification.

Diagnostic Laboratory, Department of Genetics, University Medical Center Groningen
Classification: Likely benign for Abetalipoproteinaemia. Review status: no assertion criteria provided. Collection method: clinical testing. Allele origin: germline. Affected: yes. Study: VKGL Data-share Consensus. Not counted in ClinVar's aggregate classification.